The following is an entry in ClinVar:

ClinVar aggregate classification (germline): Uncertain significance (1 of 4 stars; one submission).

Conditions:
Generalized epilepsy-paroxysmal dyskinesia syndrome (PNKD3). Also called: Generalized epilepsy and paroxysmal dyskinesia; Paroxysmal nonkinesigenic dyskinesia, 3, with or without generalized epilepsy. Identifiers: Orphanet 79137, MedGen C5574945, MONDO:0012276, OMIM 609446.

gnomAD v4.1: 5 of 1,614,082 alleles (0.00031%); highest among the groups gnomAD compares: Non-Finnish European, 0.00042%; no homozygotes.

Submission:

Labcorp Genetics (formerly Invitae), Labcorp
Classification: Uncertain significance for Generalized epilepsy-paroxysmal dyskinesia syndrome. Last evaluated: 2025-10-23. Review status: criteria provided, single submitter. Criteria: Invitae Variant Classification Sherloc (09022015). Collection method: clinical testing. Allele origin: germline.
Comment: This sequence change replaces glycine, which is neutral and non-polar, with valine, which is neutral and non-polar, at codon 1125 of the KCNMA1 protein (p.Gly1125Val). This variant is present in population databases (no rsID available, gnomAD 0.0009%). This variant has not been reported in the literature in individuals affected with KCNMA1-related conditions. An algorithm developed to predict the effect of missense changes on protein structure and function (PolyPhen-2) suggests that this variant is likely to be disruptive. In summary, the available evidence is currently insufficient to determine the role of this variant in disease. Therefore, it has been classified as a Variant of Uncertain Significance.

NM_001161352.2(KCNMA1):c.3548G>T (p.Gly1183Val)

Gene: KCNMA1 (potassium calcium-activated channel subfamily M alpha 1; minus strand). Cytogenetic location: 10q22.3.
Variant type: single nucleotide variant.
Coding change: c.3548G>T on transcript NM_001161352.2 (MANE Select); coding-DNA position 3548, G replaced by T.
Protein change: p.Gly1183Val; replaces glycine 1183 with valine.
Molecular consequence: missense variant.
Genome position (GRCh38, 1-based): chr10:76,887,429, C>A on the plus strand (G>T on the coding strand, the complement: KCNMA1 is on the minus strand). VCF-style: chr10-76887429-C-A. GRCh37 (hg19) VCF-style: chr10-78647187-C-A.
Other names: c.3386G>T, p.Gly1129Val (NM_001014797.3); c.3497G>T, p.Gly1166Val (NM_001161353.2); c.3224G>T, p.Gly1075Val (NM_001271518.2); c.3464G>T, p.Gly1155Val (NM_001271519.2); c.3383G>T, p.Gly1128Val (NM_001322829.2, NM_001322836.2); c.3476G>T, p.Gly1159Val (NM_001322830.2); c.3374G>T, p.Gly1125Val (NM_001322832.2, NM_001410940.1, NM_002247.4); c.3467G>T, p.Gly1156Val (NM_001322835.2, NM_001322837.2); and 3 more; short protein forms G1128V, G1155V, G1156V, G1183V, G1075V, G1125V, G1154V, G1166V.
Identifiers: ClinVar variation 4774086 (VCV004774086.1).